The following is an entry in ClinVar:

NM_001083961.2(WDR62):c.883-4_890del

Gene: WDR62 (WD repeat domain 62; plus strand). Cytogenetic location: 19q13.12.
Variant type: Deletion.
Coding change: c.883-4_890del on transcript NM_001083961.2 (MANE Select); 4 bases into the intron before coding-DNA position 883 through coding-DNA position 890, 12 bases deleted (ACAGGTCTCCCT).
Molecular consequence: splice acceptor variant.
Genome position (GRCh38, 1-based): chr19:36,071,552-36,071,563, ACAGGTCTCCCT deleted; deleting any 12 consecutive bases within chr19:36,071,548-36,071,563 gives the same sequence; the c. name uses the placement nearest the transcript's 3' end. VCF-style (leftmost placement, unchanged base first): chr19-36071547-CCCCTACAGGTCT-C. GRCh37 (hg19) VCF-style: chr19-36562449-CCCCTACAGGTCT-C.
Other names: c.883-4_890del (NM_173636.5).
Identifiers: ClinVar variation 635184 (VCV000635184.2), dbSNP rs1568334868, ClinGen allele CA913190654.

ClinVar aggregate classification (germline): Likely pathogenic (0 of 4 stars; one submission).

Conditions:
Microcephaly 2, primary, autosomal recessive, with or without cortical malformations. Also called: MICROCEPHALY 2, PRIMARY, AUTOSOMAL RECESSIVE, WITH CORTICAL MALFORMATIONS; WDR62 Primary Microcephaly. Identifiers: Orphanet 2512, MedGen C1858535, MONDO:0011435, OMIM 604317.

Submission:

Department of Rehabilitation Medicine, Incheon St. Mary’s Hospital, College of Medicine, The Catholic University of Korea
Classification: Likely pathogenic for Microcephaly 2, primary, autosomal recessive, with or without cortical malformations. Last evaluated: 2019-06-21. Review status: no assertion criteria provided. Collection method: clinical testing. Allele origin: maternal. Inheritance: Autosomal recessive inheritance. Affected: yes.
Comment: In addition, through parent tests, the variants were confirmed as trans.